The following is an entry in ClinVar:

NM_006059.4(LAMC3):c.1974C>T (p.Ser658=)

Gene: LAMC3 (laminin subunit gamma 3; plus strand). Cytogenetic location: 9q34.12.
Variant type: single nucleotide variant.
Coding change: c.1974C>T on transcript NM_006059.4 (MANE Select); coding-DNA position 1974, C replaced by T.
Protein change: p.Ser658=; no amino-acid change (serine 658 retained).
Molecular consequence: synonymous variant.
Genome position (GRCh38, 1-based): chr9:131,056,963, C>T. VCF-style: chr9-131056963-C-T. GRCh37 (hg19) VCF-style: chr9-133932350-C-T.
Identifiers: ClinVar variation 1614195 (VCV001614195.29), dbSNP rs147774266, ClinGen allele CA5287295.

ClinVar aggregate classification (germline): Likely benign. Review status: criteria provided, multiple submitters, no conflicts (2 of 4 stars). 2 submissions from 2 submitters: Likely benign (2). Last evaluated 2025-09-24.

Allele frequency attached by ClinVar (database versions not stated): ExAC 0.00003; gnomAD 0.00003 and 0.00004; gnomAD exomes 0.00003 and 0.00007; TOPMed 0.00005; ESP Exome Variant Server 0.00008; 1000 Genomes Project 0.00040; 1000 Genomes Project 30x 0.00047.
gnomAD v4.1: 47 of 1,613,684 alleles (0.0029%); highest among the groups gnomAD compares: Admixed American, 0.01%; no homozygotes.

Submissions (2):

Labcorp Genetics (formerly Invitae), Labcorp
Classification: Likely benign. Last evaluated: 2025-09-24. Review status: criteria provided, single submitter. Criteria: Invitae Variant Classification Sherloc (09022015). Collection method: clinical testing. Allele origin: germline.

CeGaT Center for Human Genetics Tuebingen
Classification: Likely benign. Last evaluated: 2024-03-01. Review status: criteria provided, single submitter. Criteria: CeGaT Center For Human Genetics Tuebingen Variant Classification Criteria Version 2. Collection method: clinical testing. Allele origin: germline. Affected: yes. Observed: 1 variant allele.
Comment: LAMC3: BP4, BP7